The following is an entry in ClinVar:

NM_004304.5(ALK):c.409C>A (p.Arg137Ser)

Gene: ALK (ALK receptor tyrosine kinase; minus strand). Cytogenetic location: 2p23.1.
Variant type: single nucleotide variant.
Coding change: c.409C>A on transcript NM_004304.5 (MANE Select); coding-DNA position 409, C replaced by A.
Protein change: p.Arg137Ser; replaces arginine 137 with serine.
Molecular consequence: missense variant.
Genome position (GRCh38, 1-based): chr2:29,920,251, G>T on the plus strand (C>A on the coding strand, the complement: ALK is on the minus strand). VCF-style: chr2-29920251-G-T. GRCh37 (hg19) VCF-style: chr2-30143117-G-T.
Other names: short protein forms R137S.
Identifiers: ClinVar variation 952441 (VCV000952441.10), dbSNP rs757382067, ClinGen allele CA1594976.

ClinVar aggregate classification (germline): Uncertain significance. Review status: criteria provided, multiple submitters, no conflicts (2 of 4 stars). 2 submissions from 2 submitters: Uncertain significance (2). Last evaluated 2025-12-12.

Conditions:
Hereditary cancer-predisposing syndrome. Also called: Hereditary neoplastic syndrome; Tumor predisposition; Neoplastic Syndromes, Hereditary; Hereditary Cancer Syndrome. Identifiers: Orphanet 140162, MedGen C0027672, MeSH D009386, MONDO:0015356.
Neuroblastoma, susceptibility to, 3. Also called: ALK-Related Neuroblastic Tumor Susceptibility. Identifiers: Orphanet 635, MedGen C2751681, MONDO:0013083, OMIM 613014.

Allele frequency attached by ClinVar (database versions not stated): gnomAD 0.00001; TOPMed 0.00001.

Submissions (2):

Labcorp Genetics (formerly Invitae), Labcorp
Classification: Uncertain significance for Neuroblastoma, susceptibility to, 3. Last evaluated: 2025-12-12. Review status: criteria provided, single submitter. Criteria: Invitae Variant Classification Sherloc (09022015). Collection method: clinical testing. Allele origin: germline.
Comment: This sequence change replaces arginine, which is basic and polar, with serine, which is neutral and polar, at codon 137 of the ALK protein (p.Arg137Ser). This variant is present in population databases (rs757382067, gnomAD 0.006%). This variant has not been reported in the literature in individuals affected with ALK-related conditions. ClinVar contains an entry for this variant (Variation ID: 952441). An algorithm developed to predict the effect of missense changes on protein structure and function (PolyPhen-2) suggests that this variant is likely to be disruptive. In summary, the available evidence is currently insufficient to determine the role of this variant in disease. Therefore, it has been classified as a Variant of Uncertain Significance.

Ambry Genetics
Classification: Uncertain significance for Hereditary cancer-predisposing syndrome. Last evaluated: 2024-12-05. Review status: criteria provided, single submitter. Criteria: Ambry Variant Classification Scheme 2023. Collection method: clinical testing. Allele origin: germline.
Comment: The p.R137S variant (also known as c.409C>A), located in coding exon 1 of the ALK gene, results from a C to A substitution at nucleotide position 409. The arginine at codon 137 is replaced by serine, an amino acid with dissimilar properties. This amino acid position is well conserved in available vertebrate species. In addition, this alteration is predicted to be deleterious by in silico analysis. Based on the available evidence, the clinical significance of this variant remains unclear.